The following is an entry in ClinVar:

ClinVar aggregate classification (germline): Uncertain significance. Review status: criteria provided, multiple submitters, no conflicts (2 of 4 stars). 2 submissions from 2 submitters: Uncertain significance (2). Last evaluated 2025-09-19.

Conditions:
Usher syndrome type 3B. Also called: USHER SYNDROME, TYPE IIIB. Identifiers: MedGen C3281066, MONDO:0013788, OMIM 614504.

Allele frequency attached by ClinVar (database versions not stated): gnomAD 0.00001; gnomAD exomes 0.00001; TOPMed 0.00002; ESP Exome Variant Server 0.00015.
gnomAD v4.1: 17 of 1,611,284 alleles (0.0011%); highest among the groups gnomAD compares: Non-Finnish European, 0.0014%; no homozygotes.

Submissions (2):

GeneDx
Classification: Uncertain significance. Last evaluated: 2025-09-19. Review status: criteria provided, single submitter. Criteria: GeneDx Variant Classification Process June 2021. Collection method: clinical testing. Allele origin: germline. Affected: yes.
Comment: In silico analysis suggests that this missense variant does not alter protein structure/function; Has not been previously published as pathogenic or benign to our knowledge

Labcorp Genetics (formerly Invitae), Labcorp
Classification: Uncertain significance for Usher syndrome type 3B. Last evaluated: 2025-03-09. Review status: criteria provided, single submitter. Criteria: Invitae Variant Classification Sherloc (09022015). Collection method: clinical testing. Allele origin: germline.
Comment: This sequence change replaces valine, which is neutral and non-polar, with isoleucine, which is neutral and non-polar, at codon 271 of the HARS protein (p.Val271Ile). This variant is present in population databases (rs149018062, gnomAD 0.002%). This variant has not been reported in the literature in individuals affected with HARS-related conditions. ClinVar contains an entry for this variant (Variation ID: 661311). Invitae Evidence Modeling of protein sequence and biophysical properties (such as structural, functional, and spatial information, amino acid conservation, physicochemical variation, residue mobility, and thermodynamic stability) indicates that this missense variant is not expected to disrupt HARS protein function with a negative predictive value of 80%. In summary, the available evidence is currently insufficient to determine the role of this variant in disease. Therefore, it has been classified as a Variant of Uncertain Significance.

NM_002109.6(HARS1):c.811G>A (p.Val271Ile)

Gene: HARS1 (histidyl-tRNA synthetase 1; minus strand). Cytogenetic location: 5q31.3.
Variant type: single nucleotide variant.
Coding change: c.811G>A on transcript NM_002109.6 (MANE Select); coding-DNA position 811, G replaced by A.
Protein change: p.Val271Ile; replaces valine 271 with isoleucine.
Molecular consequence: missense variant.
Genome position (GRCh38, 1-based): chr5:140,677,339, C>T on the plus strand (G>A on the coding strand, the complement: HARS1 is on the minus strand). VCF-style: chr5-140677339-C-T. GRCh37 (hg19) VCF-style: chr5-140056924-C-T.
Other names: c.691G>A, p.Val231Ile (NM_001258040.3); c.751G>A, p.Val251Ile (NM_001258041.3); c.631G>A, p.Val211Ile (NM_001258042.3); c.589G>A, p.Val197Ile (NM_001289092.2); c.469G>A, p.Val157Ile (NM_001289093.2); c.724G>A, p.Val242Ile (NM_001289094.2); short protein forms V211I, V231I, V242I, V157I, V197I, V271I, V251I.
Identifiers: ClinVar variation 661311 (VCV000661311.10), dbSNP rs149018062, ClinGen allele CA128377437.